The following is an entry in ClinVar:

NM_001122681.2(SH3BP2):c.605C>T (p.Pro202Leu)

Gene: SH3BP2 (SH3 domain binding protein 2; plus strand). Cytogenetic location: 4p16.3.
Variant type: single nucleotide variant.
Coding change: c.605C>T on transcript NM_001122681.2 (MANE Select); coding-DNA position 605, C replaced by T.
Protein change: p.Pro202Leu; replaces proline 202 with leucine.
Molecular consequence: missense variant.
Genome position (GRCh38, 1-based): chr4:2,829,511, C>T. VCF-style: chr4-2829511-C-T. GRCh37 (hg19) VCF-style: chr4-2831238-C-T.
Other names: p.Pro202Leu; c.689C>T, p.Pro230Leu (NM_001145855.2); c.776C>T, p.Pro259Leu (NM_001145856.2); c.605C>T, p.Pro202Leu (NM_003023.4); short protein forms P202L, P259L, P230L.
Identifiers: ClinVar variation 1035803 (VCV001035803.8), dbSNP rs921887620, ClinGen allele CA91411147.

ClinVar aggregate classification (germline): Uncertain significance. Review status: criteria provided, multiple submitters, no conflicts (2 of 4 stars). 3 submissions from 3 submitters: Uncertain significance (3). Last evaluated 2025-09-19.

Conditions:
Fibrous dysplasia of jaw (CRBM). Also called: Cherubism. Identifiers: Orphanet 184, MedGen C0008029, MONDO:0007315, OMIM 118400.
Inborn genetic diseases. Identifiers: MedGen C0950123, MeSH D030342.

Allele frequency attached by ClinVar (database versions not stated): gnomAD 0.00001; gnomAD exomes 0.00001; TOPMed 0.00001.
gnomAD v4.1: 19 of 1,613,492 alleles (0.0012%); highest among the groups gnomAD compares: East Asian, 0.0022%; no homozygotes.

Submissions (3):

Mayo Clinic Laboratories, Mayo Clinic
Classification: Uncertain significance. Last evaluated: 2025-09-19. Review status: criteria provided, single submitter. Criteria: ACMG Guidelines, 2015. Collection method: clinical testing. Allele origin: germline. Observed: 1 variant allele.

Ambry Genetics
Classification: Uncertain significance for Inborn genetic diseases. Last evaluated: 2025-05-17. Review status: criteria provided, single submitter. Criteria: Ambry Variant Classification Scheme 2023. Collection method: clinical testing. Allele origin: germline.

Labcorp Genetics (formerly Invitae), Labcorp
Classification: Uncertain significance for Fibrous dysplasia of jaw. Last evaluated: 2024-10-16. Review status: criteria provided, single submitter. Criteria: Invitae Variant Classification Sherloc (09022015). Collection method: clinical testing. Allele origin: germline.
Comment: This sequence change replaces proline, which is neutral and non-polar, with leucine, which is neutral and non-polar, at codon 202 of the SH3BP2 protein (p.Pro202Leu). This variant is present in population databases (no rsID available, gnomAD 0.005%). This variant has not been reported in the literature in individuals affected with SH3BP2-related conditions. ClinVar contains an entry for this variant (Variation ID: 1035803). Invitae Evidence Modeling of protein sequence and biophysical properties (such as structural, functional, and spatial information, amino acid conservation, physicochemical variation, residue mobility, and thermodynamic stability) indicates that this missense variant is not expected to disrupt SH3BP2 protein function with a negative predictive value of 95%. In summary, the available evidence is currently insufficient to determine the role of this variant in disease. Therefore, it has been classified as a Variant of Uncertain Significance.